The following is an entry in ClinVar:

NM_000138.5(FBN1):c.4730G>A (p.Cys1577Tyr)

Gene: FBN1 (fibrillin 1; minus strand). Cytogenetic location: 15q21.1.
Variant type: single nucleotide variant.
Coding change: c.4730G>A on transcript NM_000138.5 (MANE Select); coding-DNA position 4730, G replaced by A.
Protein change: p.Cys1577Tyr; replaces cysteine 1577 with tyrosine.
Molecular consequence: missense variant.
Genome position (GRCh38, 1-based): chr15:48,467,955, C>T on the plus strand (G>A on the coding strand, the complement: FBN1 is on the minus strand). VCF-style: chr15-48467955-C-T. GRCh37 (hg19) VCF-style: chr15-48760152-C-T.
Other names: c.4730G>A, p.Cys1577Tyr (NM_001406716.1); short protein forms C1577Y.
Identifiers: ClinVar variation 3772132 (VCV003772132.14).

ClinVar aggregate classification (germline): Pathogenic/Likely pathogenic. Review status: criteria provided, multiple submitters, no conflicts (2 of 4 stars). 2 submissions from 2 submitters: Pathogenic (1); Likely pathogenic (1). Last evaluated 2025-07-16.

Conditions:
Familial thoracic aortic aneurysm and aortic dissection (TAAD). Also called: Thoracic aortic aneurysms and dissections. Identifiers: Orphanet 91387, MedGen C4707243, MONDO:0019625.
Marfan syndrome (MFS). Also called: MARFAN SYNDROME, TYPE I; Marfan syndrome type 1; Marfan's syndrome; Marfan syndrome, classic; FBN1-Related Marfan Syndrome. Identifiers: Orphanet 284963, Orphanet 558, MedGen C0024796, MONDO:0007947, OMIM 154700.

gnomAD v4.1: 1 of 1,614,022 alleles (0.000062%); highest among the groups gnomAD compares: Non-Finnish European, 0.000085%; no homozygotes.

Submissions (2):

Labcorp Genetics (formerly Invitae), Labcorp
Classification: Likely pathogenic for Marfan syndrome; Familial thoracic aortic aneurysm and aortic dissection. Last evaluated: 2025-07-16. Review status: criteria provided, single submitter. Criteria: Invitae Variant Classification Sherloc (09022015). Collection method: clinical testing. Allele origin: germline.
Comment: This sequence change replaces cysteine, which is neutral and slightly polar, with tyrosine, which is neutral and polar, at codon 1577 of the FBN1 protein (p.Cys1577Tyr). This variant is present in population databases (no rsID available, gnomAD 0.0009%). This missense change has been observed in individual(s) with Marfan syndrome (internal data). ClinVar contains an entry for this variant (Variation ID: 3772132). Invitae Evidence Modeling of protein sequence and biophysical properties (such as structural, functional, and spatial information, amino acid conservation, physicochemical variation, residue mobility, and thermodynamic stability) indicates that this missense variant is expected to disrupt FBN1 protein function with a positive predictive value of 95%. This variant affects a cysteine residue in the EGF-like, TGFBP or hybrid motif domains of FBN1. Cysteine residues are believed to be involved in intramolecular disulfide bridges and have been shown to be important for FBN1 protein structure (PMID: 16905551, 19349279). In addition, missense substitutions affecting cysteine residues within these domains are significantly overrepresented among patients with Marfan syndrome (PMID: 16571647, 17701892). This variant disrupts the p.Cys1577 amino acid residue in FBN1. Other variant(s) that disrupt this residue have been observed in individuals with FBN1-related conditions (PMID: 36517271), which suggests that this may be a clinically significant amino acid residue. In summary, the currently available evidence indicates that the variant is pathogenic, but additional data are needed to prove that conclusively. Therefore, this variant has been classified as Likely Pathogenic.

CeGaT Center for Human Genetics Tuebingen
Classification: Pathogenic. Last evaluated: 2024-12-01. Review status: criteria provided, single submitter. Criteria: CeGaT Center For Human Genetics Tuebingen Variant Classification Criteria Version 2. Collection method: clinical testing. Allele origin: germline. Affected: yes. Observed: 1 variant allele.
Comment: FBN1: PS2, PM1, PM5, PP3, PP4

Literature cited by the submitters: PubMed 16905551 (cited by Labcorp Genetics (formerly Invitae), Labcorp); PubMed 19349279 (cited by Labcorp Genetics (formerly Invitae), Labcorp); PubMed 16571647 (cited by Labcorp Genetics (formerly Invitae), Labcorp); PubMed 17701892 (cited by Labcorp Genetics (formerly Invitae), Labcorp); PubMed 36517271 (cited by Labcorp Genetics (formerly Invitae), Labcorp).